The following is an entry in ClinVar:

NM_198253.3(TERT):c.2293A>G (p.Thr765Ala)

Gene: TERT (telomerase reverse transcriptase; minus strand). Cytogenetic location: 5p15.33.
Variant type: single nucleotide variant.
Coding change: c.2293A>G on transcript NM_198253.3 (MANE Select); coding-DNA position 2293, A replaced by G.
Protein change: p.Thr765Ala; replaces threonine 765 with alanine.
Molecular consequence: missense variant.
Genome position (GRCh38, 1-based): chr5:1,272,274, T>C on the plus strand (A>G on the coding strand, the complement: TERT is on the minus strand). VCF-style: chr5-1272274-T-C. GRCh37 (hg19) VCF-style: chr5-1272389-T-C.
Other names: c.2293A>G, p.Thr765Ala (NM_001193376.3, NM_003219.1); short protein forms T765A.
Identifiers: ClinVar variation 2944101 (VCV002944101.3), dbSNP rs1579564962, ClinGen allele CA359076490.
Genomic context (GRCh38, chr5:1,272,274, plus strand): 5'-GGCTGGTCTCCTGCAGGTGAGCCACGAACTGTCGCATGTACGGCTGGAGGTCTGTCAAGG[T>C]AGAGACCTGCCGGCAGAGGAGAGGGCATGAGCCACAAATGTGGCCTGCCCCGGCCAGAGC-3'
Protein context (NP_937983.2, residues 755-775): VRKAFKSHVS[Thr765Ala]LTDLQPYMRQ

ClinVar aggregate classification (germline): Uncertain significance (1 of 4 stars; one submission).

Conditions:
Idiopathic Pulmonary Fibrosis. Also called: Idiopathic fibrosing alveolitis, chronic form; idiopathic fibrosing alveolitis. Identifiers: Orphanet 2032, MedGen C1800706, MeSH D054990, MONDO:0800504.
Dyskeratosis congenita, autosomal dominant 2. Identifiers: MedGen C3151443, MONDO:0013521, OMIM 613989.

Allele frequency attached by ClinVar (database versions not stated): gnomAD exomes below 0.00001.
gnomAD v4.1: 1 of 1,610,758 alleles (0.000062%); no homozygotes.

Submission:

Labcorp Genetics (formerly Invitae), Labcorp
Classification: Uncertain significance for Dyskeratosis congenita, autosomal dominant 2; Idiopathic Pulmonary Fibrosis. Last evaluated: 2023-02-10. Review status: criteria provided, single submitter. Criteria: Invitae Variant Classification Sherloc (09022015). Collection method: clinical testing. Allele origin: germline.
Comment: This sequence change replaces threonine, which is neutral and polar, with alanine, which is neutral and non-polar, at codon 765 of the TERT protein (p.Thr765Ala). This variant is not present in population databases (gnomAD no frequency). This variant has not been reported in the literature in individuals affected with TERT-related conditions. Advanced modeling of protein sequence and biophysical properties (such as structural, functional, and spatial information, amino acid conservation, physicochemical variation, residue mobility, and thermodynamic stability) performed at Invitae indicates that this missense variant is expected to disrupt TERT protein function. In summary, the available evidence is currently insufficient to determine the role of this variant in disease. Therefore, it has been classified as a Variant of Uncertain Significance.